The following is an entry in ClinVar:

ClinVar aggregate classification (germline): Benign/Likely benign. Review status: criteria provided, multiple submitters, no conflicts (2 of 4 stars). 2 submissions from 2 submitters: Benign (1); Likely benign (1). Last evaluated 2026-04-02.

Conditions:
Multiple endocrine neoplasia type 2A. Also called: MULTIPLE ENDOCRINE NEOPLASIA, TYPE IIA; PTC SYNDROME; SIPPLE SYNDROME; MEN 2A; MEN-2A syndrome; Pheochromocytoma and amyloid producing medullary thyroid carcinoma. Identifiers: Orphanet 247698, Orphanet 653, MedGen C0025268, MeSH D018813, MONDO:0008234, OMIM 171400.
Hereditary cancer-predisposing syndrome. Also called: Neoplastic Syndromes, Hereditary; Tumor predisposition; Hereditary Cancer Syndrome; Hereditary neoplastic syndrome. Identifiers: Orphanet 140162, MedGen C0027672, MeSH D009386, MONDO:0015356.

Submissions (2):

Ambry Genetics
Classification: Likely benign for Hereditary cancer-predisposing syndrome. Last evaluated: 2026-04-02. Review status: criteria provided, single submitter. Criteria: Ambry Variant Classification Scheme 2023. Collection method: clinical testing. Allele origin: germline.

Myriad Genetics, Inc.
Classification: Benign for Multiple endocrine neoplasia type 2A. Last evaluated: 2025-02-26. Review status: criteria provided, single submitter. Criteria: Myriad Autosomal Dominant, Autosomal Recessive and X-Linked Classification Criteria (2023). Collection method: clinical testing. Allele origin: unknown.
Comment: This variant is considered benign. This variant is a silent/synonymous amino acid change and it is not expected to impact splicing.

NM_020975.6(RET):c.1839T>C (p.Pro613=)

Gene: RET (ret proto-oncogene; plus strand). Cytogenetic location: 10q11.21.
Variant type: single nucleotide variant.
Coding change: c.1839T>C on transcript NM_020975.6 (MANE Select); coding-DNA position 1839, T replaced by C.
Protein change: p.Pro613=; no amino-acid change (proline 613 retained).
Molecular consequence: synonymous variant. On other transcripts: intron variant (2).
Genome position (GRCh38, 1-based): chr10:43,113,635, T>C. VCF-style: chr10-43113635-T-C. GRCh37 (hg19) VCF-style: chr10-43609083-T-C.
Other names: c.813T>C, p.Pro271= (NM_001406786.1, NM_001406783.1); c.942T>C, p.Pro314= (NM_001406787.1, NM_001406779.1, NM_001406780.1 and 2 more transcripts); c.654T>C, p.Pro218= (NM_001406788.1, NM_001406789.1, NM_001406790.1); c.390T>C, p.Pro130= (NM_001406792.1, NM_001406793.1, NM_001406794.1); c.1839T>C, p.Pro613= (NM_020630.7, NM_001406743.1, NM_001406744.1 and 4 more transcripts); c.862+672T>C (NM_001406785.1); c.574+672T>C (NM_001406791.1); c.1077T>C, p.Pro359= (NM_001355216.2); and 7 more.
Identifiers: ClinVar variation 3904625 (VCV003904625.2).
Genomic context (GRCh38, chr10:43,113,635, plus strand): 5'-ACACGAGCCTGGGGAGCCCCGGGGGATTAAAGCTGGCTATGGCACCTGCAACTGCTTCCC[T>C]GAGGAGGAGAAGTGCTTCTGCGAGCCCGAAGACATCCAGGGTGAGTGGGTGGCGGCCGGG-3'
Protein context (NP_066124.1, residues 603-623): KAGYGTCNCF[Pro613=]EEEKCFCEPE